The following is an entry in ClinVar:

NC_000012.12:g.47980951_47980969del

Gene: COL2A1 (collagen type II alpha 1 chain; minus strand). Cytogenetic location: 12q13.11.
Variant type: Deletion.
Genome position: GRCh38 VCF-style: chr12-47980947-GCCCAGTCTCTCCACGTTCA-G. GRCh37 (hg19) VCF-style: chr12-48374730-GCCCAGTCTCTCCACGTTCA-G.
Identifiers: ClinVar variation 2112619 (VCV002112619.5), dbSNP rs2540124831, ClinGen allele CA2580085565.

ClinVar aggregate classification (germline): Pathogenic (1 of 4 stars; one submission).

Submission:

Labcorp Genetics (formerly Invitae), Labcorp
Classification: Pathogenic. Last evaluated: 2022-03-15. Review status: criteria provided, single submitter. Criteria: Invitae Variant Classification Sherloc (09022015). Collection method: clinical testing. Allele origin: germline.
Comment: For these reasons, this variant has been classified as Pathogenic. This variant has not been reported in the literature in individuals affected with COL2A1-related conditions. This variant is not present in population databases (gnomAD no frequency). This sequence change creates a premature translational stop signal (p.Glu823Profs*52) in the COL2A1 gene. It is expected to result in an absent or disrupted protein product. Loss-of-function variants in COL2A1 are known to be pathogenic (PMID: 20179744).

Literature cited by the submitters: PubMed 20179744.